The following is an entry in ClinVar:

ClinVar aggregate classification (germline): Likely pathogenic. Review status: criteria provided, multiple submitters, no conflicts (2 of 4 stars). 3 submissions from 3 submitters: Likely pathogenic (2). 1 of the submissions does not count toward it. Last evaluated 2026-08-28.

Conditions:
Epidermolysis bullosa, junctional 4, intermediate. Also called: EPIDERMOLYSIS BULLOSA, JUNCTIONAL 4, NON-HERLITZ TYPE; EPIDERMOLYSIS BULLOSA, GENERALIZED ATROPHIC BENIGN; Epidermolysis bullosa, junctional, localisata variant. Identifiers: MedGen C2608084, MONDO:0030750, OMIM 619787.

Allele frequency attached by ClinVar (database versions not stated): ExAC 0.00001; gnomAD 0.00001; 1000 Genomes Project 30x 0.00016; gnomAD exomes 0.00001; 1000 Genomes Project 0.00020.
gnomAD v4.1: 24 of 1,613,980 alleles (0.0015%); highest among the groups gnomAD compares: East Asian, 0.0045%; no homozygotes.

Submissions (3):

GeneDx
Classification: Likely pathogenic. Last evaluated: 2026-08-28. Review status: criteria provided, single submitter. Criteria: GeneDx Variant Classification Process June 2021. Collection method: clinical testing. Allele origin: germline.
Comment: Published functional studies demonstrate abnormal splicing with several abnormal transcripts produced and a reduction of the wild-type transcript (PMID: 23834121); In silico analysis supports a deleterious effect on splicing; This variant is associated with the following publications: (PMID: 23834121, Uyanik2019[Abstract], 29627521)

Neuberg Centre For Genomic Medicine, NCGM
Classification: Likely pathogenic for Epidermolysis bullosa, junctional 4, intermediate. Last evaluated: 2023-06-22. Review status: criteria provided, single submitter. Criteria: ACMG Guidelines, 2015. Collection method: clinical testing. Allele origin: germline. Inheritance: Autosomal recessive inheritance. Affected: yes.
Comment: The splice region c.1141+5G>A variant in COL17A1 gene has been reported previously in homozygous state in individual(s) affected with Epidermolysis bullosa (Uyanik B, et al., 2019; Cifuentes L, et al., 2013; Has C, et al., 2018). Functional studies demonstrate abnormal splicing and a reduction of the wild-type transcript (Cifuentes L, et al., 2013). The c.1141+5G>A variant is present with allele frequency of 0.001% in gnomAD Exomes. This variant has been submitted to the ClinVar database as Likely Pathogenic. SpliceAI predicts this variant to cause splice donor loss (0.82) and splice donor gain (0.38). Additional functional studies will be required to prove the pathogenicity of this variant conclusively. For these reasons, this variant has been classified as Likely Pathogenic.

Human Molecular Lab, Hazara University
Classification: Likely pathogenic for Epidermolysis bullosa, junctional 4, intermediate. Last evaluated: 2025-08-01. Review status: no assertion criteria provided. Collection method: research. Allele origin: germline. Inheritance: Autosomal recessive inheritance. Affected: yes. Observed: 1 variant allele, 1 homozygote. Not counted in ClinVar's aggregate classification.
Comment: The variant c.1141+5G>A of the COL17A1 gene causes a junctional Epidermolysis bullosa , which has previously been reported in families with an autosomal recessive mode of inheritance. In those families, the variant segregated with the disease, including both affected and unaffected members. According to our study, we observed a novel phenotypes (Alopecia)

NM_000494.4(COL17A1):c.1141+5G>A

Gene: COL17A1 (collagen type XVII alpha 1 chain; minus strand). Cytogenetic location: 10q25.1.
Variant type: single nucleotide variant.
Coding change: c.1141+5G>A on transcript NM_000494.4 (MANE Select); 5 bases into the intron after coding-DNA position 1141, G replaced by A.
Molecular consequence: intron variant.
Genome position (GRCh38, 1-based): chr10:104,060,114, C>T on the plus strand (G>A on the coding strand, the complement: COL17A1 is on the minus strand). VCF-style: chr10-104060114-C-T. GRCh37 (hg19) VCF-style: chr10-105819872-C-T.
Other names: c.1141+5G>A (LRG_1249t1).
Identifiers: ClinVar variation 430394 (VCV000430394.7), dbSNP rs201940939, ClinGen allele CA5679158.